The following is an entry in ClinVar:

ClinVar aggregate classification (germline): Uncertain significance. Review status: criteria provided, multiple submitters, no conflicts (2 of 4 stars). 2 submissions from 2 submitters: Uncertain significance (2). Last evaluated 2025-02-19.

Conditions:
Inborn genetic diseases. Identifiers: MedGen C0950123, MeSH D030342.

Allele frequency attached by ClinVar (database versions not stated): ExAC 0.00001; gnomAD 0.00001; TOPMed 0.00001; gnomAD exomes 0.00003 and 0.00005.
gnomAD v4.1: 68 of 1,606,610 alleles (0.0042%); highest among the groups gnomAD compares: Non-Finnish European, 0.0057%; no homozygotes.

Submissions (2):

Ambry Genetics
Classification: Uncertain significance for Inborn genetic diseases. Last evaluated: 2025-02-19. Review status: criteria provided, single submitter. Criteria: Ambry Variant Classification Scheme 2023. Collection method: clinical testing. Allele origin: germline.

Labcorp Genetics (formerly Invitae), Labcorp
Classification: Uncertain significance. Last evaluated: 2021-05-11. Review status: criteria provided, single submitter. Criteria: Invitae Variant Classification Sherloc (09022015). Collection method: clinical testing. Allele origin: germline.
Comment: In summary, the available evidence is currently insufficient to determine the role of this variant in disease. Therefore, it has been classified as a Variant of Uncertain Significance. Algorithms developed to predict the effect of missense changes on protein structure and function are either unavailable or do not agree on the potential impact of this missense change (SIFT: "Deleterious"; PolyPhen-2: "Possibly Damaging"; Align-GVGD: "Class C0"). This variant has not been reported in the literature in individuals with DNAH9-related conditions. This variant is present in population databases (rs756457999, ExAC 0.002%). This sequence change replaces methionine with isoleucine at codon 2233 of the DNAH9 protein (p.Met2233Ile). The methionine residue is highly conserved and there is a small physicochemical difference between methionine and isoleucine.

NM_001372.4(DNAH9):c.6699G>C (p.Met2233Ile)

Gene: DNAH9 (dynein axonemal heavy chain 9; plus strand). Cytogenetic location: 17p12.
Variant type: single nucleotide variant.
Coding change: c.6699G>C on transcript NM_001372.4 (MANE Select); coding-DNA position 6699, G replaced by C.
Protein change: p.Met2233Ile; replaces methionine 2233 with isoleucine.
Molecular consequence: missense variant.
Genome position (GRCh38, 1-based): chr17:11,752,921, G>C. VCF-style: chr17-11752921-G-C. GRCh37 (hg19) VCF-style: chr17-11656238-G-C.
Other names: c.6699G>C (NM_001372.3); short protein forms M2233I.
Identifiers: ClinVar variation 1396595 (VCV001396595.9), dbSNP rs756457999, ClinGen allele CA8396382.
Genomic context (GRCh38, chr17:11,752,921, plus strand): 5'-TGCCAACATCACCCATGATGGGCCCAAGTGGATTTTACTGGATGGCGACATAGATCCAAT[G>C]TGGATTGAATCCCTGAATACTGTCATGGATGATAACAAGGTATGAAATTGGGGGATATCC-3'
Protein context (NP_001363.2, residues 2223-2243): WILLDGDIDP[Met2233Ile]WIESLNTVMD